The following is an entry in ClinVar:

NM_001048174.2(MUTYH):c.193G>C (p.Val65Leu)

Gene: MUTYH (mutY DNA glycosylase; minus strand). Cytogenetic location: 1p34.1.
Variant type: single nucleotide variant.
Coding change: c.193G>C on transcript NM_001048174.2 (MANE Select); coding-DNA position 193, G replaced by C.
Protein change: p.Val65Leu; replaces valine 65 with leucine.
Molecular consequence: missense variant. On other transcripts: 5 prime UTR variant (6), non-coding transcript variant (7).
Genome position (GRCh38, 1-based): chr1:45,333,484, C>G on the plus strand (G>C on the coding strand, the complement: MUTYH is on the minus strand). VCF-style: chr1-45333484-C-G. GRCh37 (hg19) VCF-style: chr1-45799156-C-G.
Other names: c.-79G>C (NM_001350651.2, NM_001407082.1, NM_001350650.2); c.268G>C, p.Val90Leu (NM_001407069.1, NM_012222.3); c.193G>C, p.Val65Leu (NM_001407070.1, NM_001407072.1, NM_001407080.1 and 6 more transcripts); c.196G>C, p.Val66Leu (NM_001407071.1, NM_001407078.1, NM_001407079.1 and 2 more transcripts); c.235G>C, p.Val79Leu (NM_001407073.1, NM_001407083.1, NM_001407085.1); c.277G>C, p.Val93Leu (NM_001128425.2); c.238G>C, p.Val80Leu (NM_001293190.2); c.109G>C, p.Val37Leu (NM_001407075.1); and 3 more; short protein forms V65L, V79L, V66L, V37L, V76L, V93L, V72L, V80L.
Identifiers: ClinVar variation 4113572 (VCV004113572.1).

ClinVar aggregate classification (germline): Uncertain significance (1 of 4 stars; one submission).

Conditions:
Hereditary cancer-predisposing syndrome. Also called: Hereditary neoplastic syndrome; Neoplastic Syndromes, Hereditary; Tumor predisposition; Hereditary Cancer Syndrome. Identifiers: Orphanet 140162, MedGen C0027672, MeSH D009386, MONDO:0015356.

Submission:

Ambry Genetics
Classification: Uncertain significance for Hereditary cancer-predisposing syndrome. Last evaluated: 2025-08-27. Review status: criteria provided, single submitter. Criteria: Ambry Variant Classification Scheme 2023. Collection method: clinical testing. Allele origin: germline.
Comment: The p.V93L variant (also known as c.277G>C), located in coding exon 3 of the MUTYH gene, results from a G to C substitution at nucleotide position 277. The valine at codon 93 is replaced by leucine, an amino acid with highly similar properties. This amino acid position is conserved. In addition, the in silico prediction for this alteration is inconclusive. Based on the available evidence, the clinical significance of this variant remains unclear.